The following is an entry in ClinVar:

ClinVar aggregate classification (germline): Likely pathogenic (1 of 4 stars; one submission).

Conditions:
Fanconi anemia (FA). Also called: Fanconi's anemia. Identifiers: Orphanet 84, MedGen C0015625, MeSH D005199, MONDO:0019391.

Submission:

Labcorp Genetics (formerly Invitae), Labcorp
Classification: Likely pathogenic for Fanconi anemia. Last evaluated: 2023-08-29. Review status: criteria provided, single submitter. Criteria: Invitae Variant Classification Sherloc (09022015). Collection method: clinical testing. Allele origin: germline.
Comment: In summary, the currently available evidence indicates that the variant is pathogenic, but additional data are needed to prove that conclusively. Therefore, this variant has been classified as Likely Pathogenic. Algorithms developed to predict the effect of sequence changes on RNA splicing suggest that this variant may disrupt the consensus splice site. This variant has not been reported in the literature in individuals affected with FANCL-related conditions. This variant is not present in population databases (gnomAD no frequency). This sequence change affects a donor splice site in intron 9 of the FANCL gene. It is expected to disrupt RNA splicing. Variants that disrupt the donor or acceptor splice site typically lead to a loss of protein function (PMID: 16199547), and loss-of-function variants in FANCL are known to be pathogenic (PMID: 19405097, 23613520).

Literature cited by the submitters: PubMed 16199547; PubMed 19405097; PubMed 23613520.

NM_018062.4(FANCL):c.775+2T>C

Gene: FANCL (FA complementation group L; minus strand). Cytogenetic location: 2p16.1.
Variant type: single nucleotide variant.
Coding change: c.775+2T>C on transcript NM_018062.4 (MANE Select); the canonical splice donor site of the intron after coding-DNA position 775, T replaced by C.
Molecular consequence: splice donor variant.
Genome position (GRCh38, 1-based): chr2:58,163,432, A>G on the plus strand (T>C on the coding strand, the complement: FANCL is on the minus strand). VCF-style: chr2-58163432-A-G. GRCh37 (hg19) VCF-style: chr2-58390567-A-G.
Other names: c.820+2T>C (NM_001374615.1); c.790+2T>C (NM_001114636.2); c.835+2T>C (NM_001410792.1).
Identifiers: ClinVar variation 2880098 (VCV002880098.3), dbSNP rs2466618395, ClinGen allele CA346935862.